The following is an entry in ClinVar:

ClinVar aggregate classification (germline): Uncertain significance (1 of 4 stars; one submission).

Allele frequency attached by ClinVar (database versions not stated): gnomAD 0.00001.
gnomAD v4.1: 1 of 1,210,624 alleles (0.000083%); highest among the groups gnomAD compares: African/African-American, 0.0017%; no homozygotes.

Submission:

GeneDx
Classification: Uncertain significance. Last evaluated: 2022-07-18. Review status: criteria provided, single submitter. Criteria: GeneDx Variant Classification Process June 2021. Collection method: clinical testing. Allele origin: germline. Affected: yes.
Comment: Not observed at significant frequency in large population cohorts (gnomAD); Missense variants in this gene are often considered pathogenic (HGMD); In silico analysis supports that this missense variant does not alter protein structure/function; Has not been previously published as pathogenic or benign to our knowledge

NM_003334.4(UBA1):c.81G>C (p.Gln27His)

Genes: UBA1 (ubiquitin like modifier activating enzyme 1; plus strand), LOC126863253 (CDK7 strongly-dependent group 2 enhancer GRCh37_chrX:47057593-47058792; plus strand). Cytogenetic location: Xp11.3.
Variant type: single nucleotide variant.
Coding change: c.81G>C on transcript NM_003334.4 (MANE Select); coding-DNA position 81, G replaced by C.
Protein change: p.Gln27His; replaces glutamine 27 with histidine.
Molecular consequence: missense variant.
Genome position (GRCh38, 1-based): chrX:47,198,883, G>C. VCF-style: chrX-47198883-G-C. GRCh37 (hg19) VCF-style: chrX-47058282-G-C.
Other names: c.81G>C, p.Gln27His (NM_153280.3); short protein forms Q27H.
Identifiers: ClinVar variation 2136196 (VCV002136196.1), dbSNP rs1287237456, ClinGen allele CA412786420.